The following is an entry in ClinVar:

ClinVar aggregate classification (germline): Uncertain significance. Review status: criteria provided, multiple submitters, no conflicts (2 of 4 stars). 2 submissions from 2 submitters: Uncertain significance (2). Last evaluated 2026-01-13.

Allele frequency attached by ClinVar (database versions not stated): ExAC 0.00001.
gnomAD v4.1: 59 of 1,613,944 alleles (0.0037%); highest among the groups gnomAD compares: Non-Finnish European, 0.005%; no homozygotes.

Submissions (2):

Women's Health and Genetics/Laboratory Corporation of America, LabCorp
Classification: Uncertain significance. Last evaluated: 2026-01-13. Review status: criteria provided, single submitter. Criteria: LabCorp Variant Classification Summary - May 2015. Collection method: clinical testing. Allele origin: germline.
Comment: Variant summary: HTRA1 c.1348G>A (p.Asp450Asn) results in a conservative amino acid change in the encoded protein sequence. Algorithms developed to predict the effect of missense changes on protein structure and function are either unavailable or do not agree on the potential impact of this missense change. The variant allele was found at a frequency of 4e-06 in 251494 control chromosomes. The available data on variant occurrences in the general population are insufficient to allow any conclusion about variant significance. To our knowledge, no occurrence of c.1348G>A in individuals affected with HTRA1-related conditions and no experimental evidence demonstrating its impact on protein function have been reported. ClinVar contains an entry for this variant (Variation ID: 1254828). Based on the evidence outlined above, the variant was classified as uncertain significance.

GeneDx
Classification: Uncertain significance. Last evaluated: 2021-07-13. Review status: criteria provided, single submitter. Criteria: GeneDx Variant Classification Process June 2021. Collection method: clinical testing. Allele origin: germline. Affected: yes.
Comment: Has not been previously published as pathogenic or benign to our knowledge; Not observed at significant frequency in large population cohorts (Lek et al., 2016); In silico analysis supports that this missense variant does not alter protein structure/function; This variant is associated with the following publications: (PMID: 27535533)

NM_002775.5(HTRA1):c.1348G>A (p.Asp450Asn)

Gene: HTRA1 (HtrA serine peptidase 1; plus strand). Cytogenetic location: 10q26.13.
Variant type: single nucleotide variant.
Coding change: c.1348G>A on transcript NM_002775.5 (MANE Select); coding-DNA position 1348, G replaced by A.
Protein change: p.Asp450Asn; replaces aspartic acid 450 with asparagine.
Molecular consequence: missense variant.
Genome position (GRCh38, 1-based): chr10:122,514,264, G>A. VCF-style: chr10-122514264-G-A. GRCh37 (hg19) VCF-style: chr10-124273780-G-A.
Other names: short protein forms D450N.
Identifiers: ClinVar variation 1254828 (VCV001254828.3), dbSNP rs772225907, ClinGen allele CA5726162.
Genomic context (GRCh38, chr10:122,514,264, plus strand): 5'-GAAAACGACGTCATAATCAGCATCAATGGACAGTCCGTGGTCTCCGCCAATGATGTCAGC[G>A]ACGTCATTAAAAGGGAAAGCACCCTGAACATGGTGGTCCGCAGGGGTAATGAAGATATCA-3'
Protein context (NP_002766.1, residues 440-460): QSVVSANDVS[Asp450Asn]VIKRESTLNM